The following is an entry in ClinVar:

NM_000051.4(ATM):c.1687A>G (p.Met563Val)

Gene: ATM (ATM serine/threonine kinase; plus strand). Cytogenetic location: 11q22.3.
Variant type: single nucleotide variant.
Coding change: c.1687A>G on transcript NM_000051.4 (MANE Select); coding-DNA position 1687, A replaced by G.
Protein change: p.Met563Val; replaces methionine 563 with valine.
Molecular consequence: missense variant.
Genome position (GRCh38, 1-based): chr11:108,251,916, A>G. VCF-style: chr11-108251916-A-G. GRCh37 (hg19) VCF-style: chr11-108122643-A-G.
Other names: c.1687A>G, p.Met563Val (NM_001351834.2); short protein forms M563V.
Identifiers: ClinVar variation 4707436 (VCV004707436.1).

ClinVar aggregate classification (germline): Uncertain significance (1 of 4 stars; one submission).

Conditions:
Ataxia-telangiectasia syndrome (AT). Also called: AT, COMPLEMENTATION GROUP C; Ataxia-telangiectasia, complementation group D; Cerebello-oculocutaneous telangiectasia; Immunodeficiency with ataxia telangiectasia; LOUIS-BAR SYNDROME; Ataxia telangiectasia (A-T). Identifiers: Orphanet 100, MedGen C0004135, MONDO:0008840, OMIM 208900.

Submission:

Labcorp Genetics (formerly Invitae), Labcorp
Classification: Uncertain significance for Ataxia-telangiectasia syndrome. Last evaluated: 2025-11-18. Review status: criteria provided, single submitter. Criteria: Invitae Variant Classification Sherloc (09022015). Collection method: clinical testing. Allele origin: germline.
Comment: This sequence change replaces methionine, which is neutral and non-polar, with valine, which is neutral and non-polar, at codon 563 of the ATM protein (p.Met563Val). This variant is not present in population databases (gnomAD no frequency). This variant has not been reported in the literature in individuals affected with ATM-related conditions. Invitae Evidence Modeling of protein sequence and biophysical properties (such as structural, functional, and spatial information, amino acid conservation, physicochemical variation, residue mobility, and thermodynamic stability) indicates that this missense variant is not expected to disrupt ATM protein function with a negative predictive value of 95%. In summary, the available evidence is currently insufficient to determine the role of this variant in disease. Therefore, it has been classified as a Variant of Uncertain Significance.